The following is an entry in ClinVar:

NM_001171.6(ABCC6):c.1711C>G (p.Leu571Val)

Gene: ABCC6 (ATP binding cassette subfamily C member 6; minus strand). Cytogenetic location: 16p13.11.
Variant type: single nucleotide variant.
Coding change: c.1711C>G on transcript NM_001171.6 (MANE Select); coding-DNA position 1711, C replaced by G.
Protein change: p.Leu571Val; replaces leucine 571 with valine.
Molecular consequence: missense variant. On other transcripts: non-coding transcript variant (1).
Genome position (GRCh38, 1-based): chr16:16,188,899, G>C on the plus strand (C>G on the coding strand, the complement: ABCC6 is on the minus strand). VCF-style: chr16-16188899-G-C. GRCh37 (hg19) VCF-style: chr16-16282756-G-C.
Other names: c.1369C>G, p.Leu457Val (NM_001351800.1); short protein forms L457V, L571V.
Identifiers: ClinVar variation 1476365 (VCV001476365.6), dbSNP rs1428489942, ClinGen allele CA394889360.

ClinVar aggregate classification (germline): Uncertain significance (1 of 4 stars; one submission).

Allele frequency attached by ClinVar (database versions not stated): gnomAD exomes below 0.00001; TOPMed 0.00002.
gnomAD v4.1: 2 of 1,614,164 alleles (0.00012%); highest among the groups gnomAD compares: Admixed American, 0.0033%; no homozygotes.

Submission:

Labcorp Genetics (formerly Invitae), Labcorp
Classification: Uncertain significance. Last evaluated: 2025-12-24. Review status: criteria provided, single submitter. Criteria: Invitae Variant Classification Sherloc (09022015). Collection method: clinical testing. Allele origin: germline.
Comment: This sequence change replaces leucine, which is neutral and non-polar, with valine, which is neutral and non-polar, at codon 571 of the ABCC6 protein (p.Leu571Val). This variant is not present in population databases (gnomAD no frequency). This variant has not been reported in the literature in individuals affected with ABCC6-related conditions. ClinVar contains an entry for this variant (Variation ID: 1476365). Invitae Evidence Modeling of protein sequence and biophysical properties (such as structural, functional, and spatial information, amino acid conservation, physicochemical variation, residue mobility, and thermodynamic stability) has been performed for this missense variant. However, the output from this modeling did not meet the statistical confidence thresholds required to predict the impact of this variant on ABCC6 protein function. In summary, the available evidence is currently insufficient to determine the role of this variant in disease. Therefore, it has been classified as a Variant of Uncertain Significance.